The following is an entry in ClinVar:

ClinVar aggregate classification (germline): Pathogenic (1 of 4 stars; one submission).

Submission:

Labcorp Genetics (formerly Invitae), Labcorp
Classification: Pathogenic. Last evaluated: 2022-03-18. Review status: criteria provided, single submitter. Criteria: Invitae Variant Classification Sherloc (09022015). Collection method: clinical testing. Allele origin: germline.
Comment: This variant results in the deletion of part of exon 60 (c.11549-5_11549delinsC) of the USH2A gene. It is expected to disrupt RNA splicing. Variants that disrupt the donor or acceptor splice site typically lead to a loss of protein function (PMID: 16199547), and loss-of-function variants in USH2A are known to be pathogenic (PMID: 10729113, 10909849, 20507924, 25649381). This variant is not present in population databases (gnomAD no frequency). This variant has been observed in individuals with Usher syndrome (Invitae). Algorithms developed to predict the effect of sequence changes on RNA splicing suggest that this variant may disrupt the consensus splice site. For these reasons, this variant has been classified as Pathogenic.

Literature cited by the submitters: PubMed 16199547; PubMed 10729113; PubMed 10909849; PubMed 20507924; PubMed 25649381.

NM_206933.4(USH2A):c.11549-5_11549delinsC

Gene: USH2A (usherin; minus strand). Cytogenetic location: 1q41.
Variant type: Indel.
Coding change: c.11549-5_11549delinsC on transcript NM_206933.4 (MANE Select); 5 bases into the intron before coding-DNA position 11549 through coding-DNA position 11549, TCAAGG replaced by C.
Molecular consequence: splice acceptor variant.
Genome position (GRCh38, 1-based): chr1:215,741,537-215,741,542, CCTTGA replaced by G on the plus strand (TCAAGG replaced by C on the coding strand, the reverse complement: USH2A is on the minus strand). VCF-style: chr1-215741537-CCTTGA-G. GRCh37 (hg19) VCF-style: chr1-215914879-CCTTGA-G.
Identifiers: ClinVar variation 4781394 (VCV004781394.1).